The following is an entry in ClinVar:

NM_032043.3(BRIP1):c.721_734del (p.Ser241fs)

Gene: BRIP1 (BRCA1 interacting DNA helicase 1; minus strand). Cytogenetic location: 17q23.2.
Variant type: Deletion.
Coding change: c.721_734del on transcript NM_032043.3 (MANE Select); coding-DNA positions 721 to 734, 14 bases deleted (TCCAAGATACCCAA).
Protein change: p.Ser241fs; shifts the reading frame from serine 241.
Molecular consequence: frameshift variant.
Genome position (GRCh38, 1-based): chr17:61,808,651-61,808,664, TTGGGTATCTTGGA deleted on the plus strand (TCCAAGATACCCAA on the coding strand, the reverse complement: BRIP1 is on the minus strand); deleting any 14 consecutive bases within chr17:61,808,651-61,808,666 gives the same sequence; the c. name uses the placement nearest the transcript's 3' end. VCF-style (leftmost placement, unchanged base first): chr17-61808650-TTTGGGTATCTTGGA-T. GRCh37 (hg19) VCF-style: chr17-59886011-TTTGGGTATCTTGGA-T.
Other names: short protein forms S241fs.
Identifiers: ClinVar variation 3759179 (VCV003759179.2).

ClinVar aggregate classification (germline): Pathogenic (1 of 4 stars; one submission).

Conditions:
Fanconi anemia complementation group J. Also called: BRIP1-Related Fanconi Anemia. Identifiers: Orphanet 84, MedGen C1836860, MONDO:0012187, OMIM 609054.
Familial cancer of breast. Also called: BREAST CANCER, FAMILIAL; Hereditary breast cancer; hereditary breast carcinoma. Identifiers: Orphanet 227535, MedGen C0346153, MONDO:0016419, OMIM 114480. Disease mechanism: loss of function.

Submission:

Labcorp Genetics (formerly Invitae), Labcorp
Classification: Pathogenic for Familial cancer of breast; Fanconi anemia complementation group J. Last evaluated: 2024-09-21. Review status: criteria provided, single submitter. Criteria: Invitae Variant Classification Sherloc (09022015). Collection method: clinical testing. Allele origin: germline.
Comment: This sequence change creates a premature translational stop signal (p.Ser241Asnfs*16) in the BRIP1 gene. It is expected to result in an absent or disrupted protein product. Loss-of-function variants in BRIP1 are known to be pathogenic (PMID: 16116423, 17033622, 21964575). This variant is not present in population databases (gnomAD no frequency). This variant has not been reported in the literature in individuals affected with BRIP1-related conditions. For these reasons, this variant has been classified as Pathogenic.

Literature cited by the submitters: PubMed 16116423; PubMed 17033622; PubMed 21964575.